The following is an entry in ClinVar:

NM_001080467.3(MYO5B):c.4414T>C (p.Tyr1472His)

Genes: MYO5B (myosin VB; minus strand), SNHG22 (small nucleolar RNA host gene 22; plus strand). Cytogenetic location: 18q21.1.
Variant type: single nucleotide variant.
Coding change: c.4414T>C on transcript NM_001080467.3 (MANE Select); coding-DNA position 4414, T replaced by C.
Protein change: p.Tyr1472His; replaces tyrosine 1472 with histidine.
Molecular consequence: missense variant.
Genome position (GRCh38, 1-based): chr18:49,847,191, A>G on the plus strand (T>C on the coding strand, the complement: MYO5B is on the minus strand). VCF-style: chr18-49847191-A-G. GRCh37 (hg19) VCF-style: chr18-47373561-A-G.
Other names: c.4414T>C (NM_001080467.2); short protein forms Y1472H.
Identifiers: ClinVar variation 1441903 (VCV001441903.7), dbSNP rs571713501, ClinGen allele CA8960376.

ClinVar aggregate classification (germline): Uncertain significance. Review status: criteria provided, multiple submitters, no conflicts (2 of 4 stars). 2 submissions from 2 submitters: Uncertain significance (2). Last evaluated 2025-08-24.

Conditions:
Inborn genetic diseases. Identifiers: MedGen C0950123, MeSH D030342.

Allele frequency attached by ClinVar (database versions not stated): gnomAD 0.00001 and 0.00004; TOPMed 0.00002; gnomAD exomes 0.00008 and 0.00012; ExAC 0.00015; 1000 Genomes Project 30x 0.00016; 1000 Genomes Project 0.00020.
gnomAD v4.1: 118 of 1,613,814 alleles (0.0073%); highest among the groups gnomAD compares: South Asian, 0.076%; no homozygotes.

Submissions (2):

Ambry Genetics
Classification: Uncertain significance for Inborn genetic diseases. Last evaluated: 2025-08-24. Review status: criteria provided, single submitter. Criteria: Ambry Variant Classification Scheme 2023. Collection method: clinical testing. Allele origin: germline.

Labcorp Genetics (formerly Invitae), Labcorp
Classification: Uncertain significance. Last evaluated: 2025-01-13. Review status: criteria provided, single submitter. Criteria: Invitae Variant Classification Sherloc (09022015). Collection method: clinical testing. Allele origin: germline.
Comment: This sequence change replaces tyrosine, which is neutral and polar, with histidine, which is basic and polar, at codon 1472 of the MYO5B protein (p.Tyr1472His). This variant is present in population databases (rs571713501, gnomAD 0.09%). This variant has not been reported in the literature in individuals affected with MYO5B-related conditions. ClinVar contains an entry for this variant (Variation ID: 1441903). Invitae Evidence Modeling of protein sequence and biophysical properties (such as structural, functional, and spatial information, amino acid conservation, physicochemical variation, residue mobility, and thermodynamic stability) indicates that this missense variant is not expected to disrupt MYO5B protein function with a negative predictive value of 80%. In summary, the available evidence is currently insufficient to determine the role of this variant in disease. Therefore, it has been classified as a Variant of Uncertain Significance.